The following is an entry in ClinVar:

NM_002734.5(PRKAR1A):c.337T>G (p.Tyr113Asp)

Gene: PRKAR1A (protein kinase cAMP-dependent type I regulatory subunit alpha; plus strand). Cytogenetic location: 17q24.2.
Variant type: single nucleotide variant.
Coding change: c.337T>G on transcript NM_002734.5 (MANE Select); coding-DNA position 337, T replaced by G.
Protein change: p.Tyr113Asp; replaces tyrosine 113 with aspartic acid.
Molecular consequence: missense variant.
Genome position (GRCh38, 1-based): chr17:68,522,915, T>G. VCF-style: chr17-68522915-T-G. GRCh37 (hg19) VCF-style: chr17-66519056-T-G.
Other names: c.337T>G, p.Tyr113Asp (NM_001276289.2, NM_001276290.1, NM_001278433.2 and 4 more transcripts); short protein forms Y113D.
Identifiers: ClinVar variation 1730815 (VCV001730815.2), dbSNP rs2509399686, ClinGen allele CA400752501.

ClinVar aggregate classification (germline): Uncertain significance (1 of 4 stars; one submission).

Conditions:
Hereditary cancer-predisposing syndrome. Also called: Neoplastic Syndromes, Hereditary; Tumor predisposition; Hereditary Cancer Syndrome; Hereditary neoplastic syndrome. Identifiers: Orphanet 140162, MedGen C0027672, MeSH D009386, MONDO:0015356.

Submission:

Ambry Genetics
Classification: Uncertain significance for Hereditary cancer-predisposing syndrome. Last evaluated: 2022-10-20. Review status: criteria provided, single submitter. Criteria: Ambry Variant Classification Scheme 2023. Collection method: clinical testing. Allele origin: germline.
Comment: The p.Y113D variant (also known as c.337T>G), located in coding exon 2 of the PRKAR1A gene, results from a T to G substitution at nucleotide position 337. The tyrosine at codon 113 is replaced by aspartic acid, an amino acid with highly dissimilar properties. This amino acid position is conserved. In addition, this alteration is predicted to be deleterious by in silico analysis. Since supporting evidence is limited at this time, the clinical significance of this alteration remains unclear.